The following is an entry in ClinVar:

NM_000321.3(RB1):c.2043G>A (p.Trp681Ter)

Gene: RB1 (RB transcriptional corepressor 1; plus strand). Cytogenetic location: 13q14.2.
Variant type: single nucleotide variant.
Coding change: c.2043G>A on transcript NM_000321.3 (MANE Select); coding-DNA position 2043, G replaced by A.
Protein change: p.Trp681Ter; replaces tryptophan 681 with a stop codon.
Molecular consequence: nonsense.
Genome position (GRCh38, 1-based): chr13:48,459,770, G>A. VCF-style: chr13-48459770-G-A. GRCh37 (hg19) VCF-style: chr13-49033906-G-A.
Other names: c.2043G>A, p.Trp681Ter (NM_001407165.1); short protein forms W681*.
Identifiers: ClinVar variation 2444787 (VCV002444787.2), dbSNP rs2138336213, ClinGen allele CA388166830.

ClinVar aggregate classification (germline): Pathogenic. Review status: criteria provided, multiple submitters, no conflicts (2 of 4 stars). 2 submissions from 2 submitters: Pathogenic (2). Last evaluated 2024-05-20.

Conditions:
Retinoblastoma (RB1). Also called: RETINOBLASTOMA, SOMATIC. Identifiers: Orphanet 790, MedGen C0035335, MeSH D012175, MONDO:0008380, OMIM 180200, HP:0009919. Disease mechanism: loss of function. Inheritance: Both sporadic and heritable forms are tested..

Submissions (2):

Genetic Diagnostic Laboratory, University of Pennsylvania School of Medicine
Classification: Pathogenic for Retinoblastoma. Last evaluated: 2024-05-20. Review status: criteria provided, single submitter. Criteria: ACMG Guidelines, 2015. Collection method: clinical testing. Allele origin: germline. Affected: yes. Observed: 2 variant alleles.
Comment: Case and Pedigree Information: BILATERAL CASES:1, UNILATERAL CASES:1, TOTAL CASES:2, PEDIGREES:2. ACMG Codes Applied:PVS1, PM2

GeneDx
Classification: Pathogenic. Last evaluated: 2022-09-16. Review status: criteria provided, single submitter. Criteria: GeneDx Variant Classification Process June 2021. Collection method: clinical testing. Allele origin: germline. Affected: yes.
Comment: Nonsense variant predicted to result in protein truncation or nonsense mediated decay in a gene for which loss of function is a known mechanism of disease; Not observed at significant frequency in large population cohorts (gnomAD); This variant is associated with the following publications: (PMID: 28193182, 31199602)